The following is an entry in ClinVar:

ClinVar aggregate classification (germline): Uncertain significance (1 of 4 stars; one submission).

Submission:

GeneDx
Classification: Uncertain significance. Last evaluated: 2023-10-20. Review status: criteria provided, single submitter. Criteria: GeneDx Variant Classification Process June 2021. Collection method: clinical testing. Allele origin: germline. Affected: yes.
Comment: Not observed at significant frequency in large population cohorts (gnomAD); In silico analysis supports that this missense variant does not alter protein structure/function; Has not been previously published as pathogenic or benign to our knowledge

NM_016302.4(CRBN):c.48C>G (p.Asn16Lys)

Gene: CRBN (cereblon; minus strand). Cytogenetic location: 3p26.2.
Variant type: single nucleotide variant.
Coding change: c.48C>G on transcript NM_016302.4 (MANE Select); coding-DNA position 48, C replaced by G.
Protein change: p.Asn16Lys; replaces asparagine 16 with lysine.
Molecular consequence: missense variant.
Genome position (GRCh38, 1-based): chr3:3,179,640, G>C on the plus strand (C>G on the coding strand, the complement: CRBN is on the minus strand). VCF-style: chr3-3179640-G-C. GRCh37 (hg19) VCF-style: chr3-3221324-G-C.
Other names: c.48C>G, p.Asn16Lys (NM_001173482.1); short protein forms N16K.
Identifiers: ClinVar variation 3366196 (VCV003366196.1).